The following is an entry in ClinVar:

NM_000090.4(COL3A1):c.601G>T (p.Gly201Ter)

Gene: COL3A1 (collagen type III alpha 1 chain; plus strand). Cytogenetic location: 2q32.2.
Variant type: single nucleotide variant.
Coding change: c.601G>T on transcript NM_000090.4 (MANE Select); coding-DNA position 601, G replaced by T.
Protein change: p.Gly201Ter; replaces glycine 201 with a stop codon.
Molecular consequence: nonsense.
Genome position (GRCh38, 1-based): chr2:188,988,608, G>T. VCF-style: chr2-188988608-G-T. GRCh37 (hg19) VCF-style: chr2-189853334-G-T.
Other names: short protein forms G201*.
Identifiers: ClinVar variation 1326627 (VCV001326627.2), dbSNP rs587779436, ClinGen allele CA349848347.

ClinVar aggregate classification (germline): Likely pathogenic (1 of 4 stars; one submission).

Submission:

GeneDx
Classification: Likely pathogenic. Last evaluated: 2021-05-26. Review status: criteria provided, single submitter. Criteria: GeneDx Variant Classification Process June 2021. Collection method: clinical testing. Allele origin: germline. Affected: yes.
Comment: Has not been previously published as pathogenic or benign in association with vascular Ehlers-Danlos syndrome to our knowledge; Not observed at significant frequency in large population cohorts (Lek et al., 2016); Nonsense variant predicted to result in protein truncation or nonsense mediated decay in a gene for which loss-of-function is a known mechanism of disease; This variant is associated with the following publications: (PMID: 28106558)